The following is an entry in ClinVar:

NM_052813.5(CARD9):c.1441G>C (p.Gly481Arg)

Gene: CARD9 (caspase recruitment domain family member 9; minus strand). Cytogenetic location: 9q34.3.
Variant type: single nucleotide variant.
Coding change: c.1441G>C on transcript NM_052813.5 (MANE Select); coding-DNA position 1441, G replaced by C.
Protein change: p.Gly481Arg; replaces glycine 481 with arginine.
Molecular consequence: missense variant.
Genome position (GRCh38, 1-based): chr9:136,364,553, C>G on the plus strand (G>C on the coding strand, the complement: CARD9 is on the minus strand). VCF-style: chr9-136364553-C-G. GRCh37 (hg19) VCF-style: chr9-139259005-C-G.
Other names: c.1441G>C, p.Gly481Arg (NM_052814.4); short protein forms G481R.
Identifiers: ClinVar variation 1996310 (VCV001996310.4), dbSNP rs1833070179, ClinGen allele CA375541596.

ClinVar aggregate classification (germline): Uncertain significance (1 of 4 stars; one submission).

Conditions:
Predisposition to invasive fungal disease due to CARD9 deficiency (IMD103). Also called: IMMUNODEFICIENCY 103, SUSCEPTIBILITY TO FUNGAL INFECTIONS; Candidiasis, familial, 2, autosomal recessive; CARD9 IMMUNODEFICIENCY. Identifiers: Orphanet 457088, MedGen C1859353, MONDO:0008905, OMIM 212050.

Allele frequency attached by ClinVar (database versions not stated): TOPMed below 0.00001; gnomAD 0.00001.
gnomAD v4.1: 4 of 1,538,350 alleles (0.00026%); highest among the groups gnomAD compares: Non-Finnish European, 0.00035%; no homozygotes.

Submission:

Labcorp Genetics (formerly Invitae), Labcorp
Classification: Uncertain significance for Predisposition to invasive fungal disease due to CARD9 deficiency. Last evaluated: 2024-11-04. Review status: criteria provided, single submitter. Criteria: Invitae Variant Classification Sherloc (09022015). Collection method: clinical testing. Allele origin: germline.
Comment: This sequence change replaces glycine, which is neutral and non-polar, with arginine, which is basic and polar, at codon 481 of the CARD9 protein (p.Gly481Arg). This variant is not present in population databases (gnomAD no frequency). This variant has not been reported in the literature in individuals affected with CARD9-related conditions. ClinVar contains an entry for this variant (Variation ID: 1996310). An algorithm developed to predict the effect of missense changes on protein structure and function (PolyPhen-2) suggests that this variant is likely to be tolerated. In summary, the available evidence is currently insufficient to determine the role of this variant in disease. Therefore, it has been classified as a Variant of Uncertain Significance.